The following is an entry in ClinVar:

ClinVar aggregate classification (germline): Conflicting classifications of pathogenicity. Review status: criteria provided, conflicting classifications (1 of 4 stars). 4 submissions from 4 submitters: Uncertain significance (3); Likely benign (1). Last evaluated 2025-03-31.

Conditions:
Hereditary cancer-predisposing syndrome. Also called: Tumor predisposition; Hereditary neoplastic syndrome; Neoplastic Syndromes, Hereditary; Hereditary Cancer Syndrome. Identifiers: Orphanet 140162, MedGen C0027672, MeSH D009386, MONDO:0015356.
Hereditary breast ovarian cancer syndrome. Also called: Hereditary breast and ovarian cancer; Hereditary breast and ovarian cancer syndrome; Hereditary breast and ovarian cancer syndrome (HBOC); Breast and ovarian cancer; BRCA1- and BRCA2-Associated Hereditary Breast and Ovarian Cancer; Hereditary breast and/or ovarian cancer syndrome. Identifiers: Orphanet 145, MedGen C0677776, MeSH D061325, MONDO:0003582. Disease mechanism: loss of function.

Submissions (4):

GeneDx
Classification: Uncertain significance. Last evaluated: 2025-03-31. Review status: criteria provided, single submitter. Criteria: GeneDx Variant Classification Process June 2021. Collection method: clinical testing. Allele origin: germline. Affected: yes.
Comment: Not observed at significant frequency in large population cohorts (gnomAD); In silico analysis indicates that this variant does not alter splicing; Has not been previously published as pathogenic or benign to our knowledge; Also known as 9181+5del

Labcorp Genetics (formerly Invitae), Labcorp
Classification: Likely benign for Hereditary breast ovarian cancer syndrome. Last evaluated: 2024-11-26. Review status: criteria provided, single submitter. Criteria: Invitae Variant Classification Sherloc (09022015). Collection method: clinical testing. Allele origin: germline.

Ambry Genetics
Classification: Uncertain significance for Hereditary cancer-predisposing syndrome. Last evaluated: 2023-04-19. Review status: criteria provided, single submitter. Criteria: Ambry Variant Classification Scheme 2023. Collection method: clinical testing. Allele origin: germline.
Comment: The c.8953+5delG intronic variant, located in intron 21 of the BRCA2 gene, results from a deletion of one nucleotide within intron 21 of the BRCA2 gene. This nucleotide position is highly conserved in available vertebrate species. In silico splice site analysis predicts that this alteration will not have any significant effect on splicing. Since supporting evidence is limited at this time, the clinical significance of this alteration remains unclear.

Genetic Services Laboratory, University of Chicago
Classification: Uncertain significance. Last evaluated: 2015-07-16. Review status: criteria provided, single submitter. Criteria: ACMG Guidelines, 2015. Collection method: clinical testing. Allele origin: germline.

NM_000059.4(BRCA2):c.8953+5del

Gene: BRCA2 (BRCA2 DNA repair associated; plus strand). Cytogenetic location: 13q13.1.
Variant type: Deletion.
Coding change: c.8953+5del on transcript NM_000059.4 (MANE Select); 5 bases into the intron after coding-DNA position 8953, one base deleted (G; older notation c.8953+5delG).
Molecular consequence: intron variant.
Genome position (GRCh38, 1-based): chr13:32,379,520, G deleted. VCF-style (leftmost placement, unchanged base first): chr13-32379519-AG-A. GRCh37 (hg19) VCF-style: chr13-32953656-AG-A.
Other names: c.8953+5delG (NM_000059.3).
Identifiers: ClinVar variation 210532 (VCV000210532.15), dbSNP rs797045414, ClinGen allele CA206910.